The following is an entry in ClinVar:

NM_004415.4(DSP):c.6917G>C (p.Ser2306Thr)

Gene: DSP (desmoplakin; plus strand). Cytogenetic location: 6p24.3.
Variant type: single nucleotide variant.
Coding change: c.6917G>C on transcript NM_004415.4 (MANE Select); coding-DNA position 6917, G replaced by C.
Protein change: p.Ser2306Thr; replaces serine 2306 with threonine.
Molecular consequence: missense variant.
Genome position (GRCh38, 1-based): chr6:7,584,179, G>C. VCF-style: chr6-7584179-G-C. GRCh37 (hg19) VCF-style: chr6-7584412-G-C.
Other names: c.5120G>C, p.Ser1707Thr (NM_001008844.3); c.5588G>C, p.Ser1863Thr (NM_001319034.2); short protein forms S1707T, S1863T, S2306T.
Identifiers: ClinVar variation 1756143 (VCV001756143.2), dbSNP rs1469022899, ClinGen allele CA362691835.

ClinVar aggregate classification (germline): Uncertain significance (1 of 4 stars; one submission).

Conditions:
Cardiovascular phenotype. Identifiers: MedGen CN230736.

Allele frequency attached by ClinVar (database versions not stated): TOPMed below 0.00001.

Submission:

Ambry Genetics
Classification: Uncertain significance for Cardiovascular phenotype. Last evaluated: 2022-10-02. Review status: criteria provided, single submitter. Criteria: Ambry Variant Classification Scheme 2023. Collection method: clinical testing. Allele origin: germline.
Comment: The p.S2306T variant (also known as c.6917G>C), located in coding exon 24 of the DSP gene, results from a G to C substitution at nucleotide position 6917. The serine at codon 2306 is replaced by threonine, an amino acid with similar properties. This amino acid position is conserved. In addition, this alteration is predicted to be tolerated by in silico analysis. Since supporting evidence is limited at this time, the clinical significance of this alteration remains unclear.